The following is an entry in ClinVar:

NM_021930.6(RINT1):c.165T>G (p.Tyr55Ter)

Gene: RINT1 (RAD50 interactor 1; plus strand). Cytogenetic location: 7q22.3.
Variant type: single nucleotide variant.
Coding change: c.165T>G on transcript NM_021930.6 (MANE Select); coding-DNA position 165, T replaced by G.
Protein change: p.Tyr55Ter; replaces tyrosine 55 with a stop codon.
Molecular consequence: nonsense. On other transcripts: 5 prime UTR variant (3), non-coding transcript variant (1), intron variant (1).
Genome position (GRCh38, 1-based): chr7:105,536,641, T>G. VCF-style: chr7-105536641-T-G. GRCh37 (hg19) VCF-style: chr7-105177088-T-G.
Other names: c.-855T>G (NM_001346600.2); c.-758T>G (NM_001346601.2); c.-378T>G (NM_001346603.2); c.39+29T>G (NM_001346599.2); short protein forms Y55*.
Identifiers: ClinVar variation 1036148 (VCV001036148.6), dbSNP rs1350432366, ClinGen allele CA368800225.
Genomic context (GRCh38, chr7:105,536,641, plus strand): 5'-AGTTCTTATTGGAAGTAAACAAGTCAGTGAAGGTACAGATAATGGTGATCTCCCTTCTTA[T>G]GTGTCTGCATTCATAGAAAAGGAAGTTGGAAATGACCTTAAATCTTTAAAGAAACTTGAT-3'

ClinVar aggregate classification (germline): Pathogenic (1 of 4 stars; one submission).

Submission:

Labcorp Genetics (formerly Invitae), Labcorp
Classification: Pathogenic. Last evaluated: 2022-09-19. Review status: criteria provided, single submitter. Criteria: Invitae Variant Classification Sherloc (09022015). Collection method: clinical testing. Allele origin: germline.
Comment: ClinVar contains an entry for this variant (Variation ID: 1036148). Algorithms developed to predict the effect of sequence changes on RNA splicing suggest that this variant may disrupt the consensus splice site. For these reasons, this variant has been classified as Pathogenic. This variant has not been reported in the literature in individuals affected with RINT1-related conditions. This variant is not present in population databases (gnomAD no frequency). This sequence change creates a premature translational stop signal (p.Tyr55*) in the RINT1 gene. It is expected to result in an absent or disrupted protein product. Loss-of-function variants in RINT1 are known to be pathogenic (PMID: 31204009).

Literature cited by the submitters: PubMed 31204009.